The following is an entry in ClinVar:

NM_001081550.2(THOC2):c.3745C>T (p.Pro1249Ser)

Gene: THOC2 (THO complex subunit 2; minus strand). Cytogenetic location: Xq25.
Variant type: single nucleotide variant.
Coding change: c.3745C>T on transcript NM_001081550.2 (MANE Select); coding-DNA position 3745, C replaced by T.
Protein change: p.Pro1249Ser; replaces proline 1249 with serine.
Molecular consequence: missense variant.
Genome position (GRCh38, 1-based): chrX:123,622,798, G>A on the plus strand (C>T on the coding strand, the complement: THOC2 is on the minus strand). VCF-style: chrX-123622798-G-A. GRCh37 (hg19) VCF-style: chrX-122756649-G-A.
Other names: short protein forms P1249S.
Identifiers: ClinVar variation 3345914 (VCV003345914.1).

ClinVar aggregate classification (germline): Uncertain significance (0 of 4 stars; one submission).

Conditions:
THOC2-related disorder. Also called: THOC2-related condition.

Submission:

PreventionGenetics, part of Exact Sciences
Classification: Uncertain significance for THOC2-related condition. Last evaluated: 2024-07-24. Review status: no assertion criteria provided. Collection method: clinical testing. Allele origin: germline.
Comment: The THOC2 c.3745C>T variant is predicted to result in the amino acid substitution p.Pro1249Ser. To our knowledge, this variant has not been reported in the literature or in a large population database, indicating this variant is rare. At this time, the clinical significance of this variant is uncertain due to the absence of conclusive functional and genetic evidence.